The following is an entry in ClinVar:

ClinVar aggregate classification (germline): Uncertain significance (1 of 4 stars; one submission).

Conditions:
Early Myoclonic Encephalopathy. Identifiers: MedGen C0270855.

gnomAD v4.1: 2 of 1,614,184 alleles (0.00012%); no homozygotes.

Submission:

Labcorp Genetics (formerly Invitae), Labcorp
Classification: Uncertain significance for Early Myoclonic Encephalopathy. Last evaluated: 2022-02-11. Review status: criteria provided, single submitter. Criteria: Invitae Variant Classification Sherloc (09022015). Collection method: clinical testing. Allele origin: germline.
Comment: This variant has not been reported in the literature in individuals affected with JMJD1C-related conditions. In summary, the available evidence is currently insufficient to determine the role of this variant in disease. Therefore, it has been classified as a Variant of Uncertain Significance. Algorithms developed to predict the effect of missense changes on protein structure and function are either unavailable or do not agree on the potential impact of this missense change (SIFT: "Deleterious"; PolyPhen-2: "Benign"; Align-GVGD: "Class C0"). ClinVar contains an entry for this variant (Variation ID: 1045173). This variant is not present in population databases (gnomAD no frequency). This sequence change replaces glutamic acid, which is acidic and polar, with glycine, which is neutral and non-polar, at codon 1043 of the JMJD1C protein (p.Glu1043Gly).

NM_032776.3(JMJD1C):c.3128A>G (p.Glu1043Gly)

Gene: JMJD1C (jumonji domain containing 1C; minus strand). Cytogenetic location: 10q21.3.
Variant type: single nucleotide variant.
Coding change: c.3128A>G on transcript NM_032776.3 (MANE Select); coding-DNA position 3128, A replaced by G.
Protein change: p.Glu1043Gly; replaces glutamic acid 1043 with glycine.
Molecular consequence: missense variant. On other transcripts: non-coding transcript variant (1).
Genome position (GRCh38, 1-based): chr10:63,208,541, T>C on the plus strand (A>G on the coding strand, the complement: JMJD1C is on the minus strand). VCF-style: chr10-63208541-T-C. GRCh37 (hg19) VCF-style: chr10-64968301-T-C.
Other names: c.2582A>G, p.Glu861Gly (NM_001282948.2, NM_001318154.2); c.2264A>G, p.Glu755Gly (NM_001318153.2); c.3014A>G, p.Glu1005Gly (NM_001322252.2); c.2471A>G, p.Glu824Gly (NM_001322254.2, NM_001322258.2); short protein forms E1043G, E755G, E824G, E861G, E1005G.
Identifiers: ClinVar variation 1045173 (VCV001045173.10), dbSNP rs1846938328, ClinGen allele CA377042782.